The following is an entry in ClinVar:

ClinVar aggregate classification (germline): Uncertain significance (1 of 4 stars; one submission).

Submission:

CeGaT Center for Human Genetics Tuebingen
Classification: Uncertain significance. Last evaluated: 2023-08-01. Review status: criteria provided, single submitter. Criteria: CeGaT Center For Human Genetics Tuebingen Variant Classification Criteria Version 2. Collection method: clinical testing. Allele origin: germline. Affected: yes. Observed: 1 variant allele.
Comment: F5: PM2, PP3

NM_000130.5(F5):c.6404C>T (p.Ala2135Val)

Gene: F5 (coagulation factor V; minus strand). Cytogenetic location: 1q24.2.
Variant type: single nucleotide variant.
Coding change: c.6404C>T on transcript NM_000130.5 (MANE Select); coding-DNA position 6404, C replaced by T.
Protein change: p.Ala2135Val; replaces alanine 2135 with valine.
Molecular consequence: missense variant.
Genome position (GRCh38, 1-based): chr1:169,515,568, G>A on the plus strand (C>T on the coding strand, the complement: F5 is on the minus strand). VCF-style: chr1-169515568-G-A. GRCh37 (hg19) VCF-style: chr1-169484806-G-A.
Other names: short protein forms A2135V.
Identifiers: ClinVar variation 2639535 (VCV002639535.24), dbSNP rs1659138284, ClinGen allele CA343118783.
Genomic context (GRCh38, chr1:169,515,568, plus strand): 5'-ATGGTATAGCTCTTTACATACATTTCAGAGGACAGAGACTTGCAGCCCTGTGTTATAATT[G>A]CCGTTATCTTCTTGATCTTGAGTAGATCAATTTCTAGCCACTGCTTATTGTTGTTTGCCT-3'
Protein context (NP_000121.2, residues 2125-2145): IDLLKIKKIT[Ala2135Val]IITQGCKSLS